The following is an entry in ClinVar:

NM_000155.4(GALT):c.429G>A (p.Ser143=)

Gene: GALT (galactose-1-phosphate uridylyltransferase; plus strand). Cytogenetic location: 9p13.3.
Variant type: single nucleotide variant.
Coding change: c.429G>A on transcript NM_000155.4 (MANE Select); coding-DNA position 429, G replaced by A.
Protein change: p.Ser143=; no amino-acid change (serine 143 retained).
Molecular consequence: synonymous variant.
Genome position (GRCh38, 1-based): chr9:34,647,883, G>A. VCF-style: chr9-34647883-G-A. GRCh37 (hg19) VCF-style: chr9-34647880-G-A.
Other names: c.102G>A, p.Ser34= (NM_001258332.2).
Identifiers: ClinVar variation 4977252 (VCV004977252.1).

ClinVar aggregate classification (germline): Likely benign (1 of 4 stars; one submission).

Conditions:
GALT-related disorder. Also called: GALT-related condition.

gnomAD v4.1: 21 of 1,614,054 alleles (0.0013%); highest among the groups gnomAD compares: Admixed American, 0.005%; no homozygotes.

Submission:

PreventionGenetics, part of Exact Sciences
Classification: Likely benign for GALT-related condition. Last evaluated: 2025-12-17. Review status: criteria provided, single submitter. Criteria: ACMG Guidelines, 2015. Collection method: clinical testing. Allele origin: germline.
Comment: This variant is classified as likely benign based on ACMG/AMP sequence variant interpretation guidelines (Richards et al. 2015 PMID: 25741868, with internal and published modifications).